The following is an entry in ClinVar:

NM_025137.4(SPG11):c.4591C>T (p.Gln1531Ter)

Gene: SPG11 (SPG11 vesicle trafficking associated, spatacsin; minus strand). Cytogenetic location: 15q21.1.
Variant type: single nucleotide variant.
Coding change: c.4591C>T on transcript NM_025137.4 (MANE Select); coding-DNA position 4591, C replaced by T.
Protein change: p.Gln1531Ter; replaces glutamine 1531 with a stop codon.
Molecular consequence: nonsense.
Genome position (GRCh38, 1-based): chr15:44,595,303, G>A on the plus strand (C>T on the coding strand, the complement: SPG11 is on the minus strand). VCF-style: chr15-44595303-G-A. GRCh37 (hg19) VCF-style: chr15-44887501-G-A.
Other names: c.4591C>T, p.Gln1531Ter (NM_001160227.2); short protein forms Q1531*.
Identifiers: ClinVar variation 466532 (VCV000466532.7), dbSNP rs1362530862, ClinGen allele CA392226101.
Genomic context (GRCh38, chr15:44,595,303, plus strand): 5'-AAGCAACTATCACTACCTTAAAGAAAAGCTGGAAACCTCTGATGAGAGTTTTGCTCTTTT[G>A]TCTTGTTAATAATGTTCTCCAGATGACTGAAAGATCCTCAAGGTTCCAGGTATGGTCCTC-3'

ClinVar aggregate classification (germline): Pathogenic/Likely pathogenic. Review status: criteria provided, multiple submitters, no conflicts (2 of 4 stars). 2 submissions from 2 submitters: Pathogenic (1); Likely pathogenic (1). Last evaluated 2024-02-22.

Conditions:
Hereditary spastic paraplegia 11. Also called: SPASTIC PARAPLEGIA, AUTOSOMAL RECESSIVE, COMPLICATED, WITH THIN CORPUS CALLOSUM; SPASTIC PARAPLEGIA, AUTOSOMAL RECESSIVE, WITH MENTAL IMPAIRMENT AND THIN CORPUS CALLOSUM; Nakamura Osame syndrome; Autosomal recessive hereditary spastic paraplegia, mental impairment, and thin corpus callosum; Spastic paraplegia, mental retardation and thin corpus callosum; Spastic Paraplegia 11. Identifiers: Orphanet 2822, MedGen C1858479, MONDO:0011445, OMIM 604360.
Amyotrophic lateral sclerosis type 5 (ALS5). Also called: AMYOTROPHIC LATERAL SCLEROSIS 5, JUVENILE. Identifiers: Orphanet 300605, MedGen C1865864, MONDO:0011196, OMIM 602099.
Charcot-Marie-Tooth disease axonal type 2X. Also called: CHARCOT-MARIE-TOOTH DISEASE, AXONAL, AUTOSOMAL RECESSIVE, TYPE 2X; CHARCOT-MARIE-TOOTH NEUROPATHY, TYPE 2X. Identifiers: Orphanet 466775, MedGen C5569024, MONDO:0014726, OMIM 616668.

Submissions (2):

Fulgent Genetics
Classification: Likely pathogenic for Amyotrophic lateral sclerosis type 5; Hereditary spastic paraplegia 11; Charcot-Marie-Tooth disease axonal type 2X. Last evaluated: 2024-02-22. Review status: criteria provided, single submitter. Criteria: ACMG Guidelines, 2015. Collection method: clinical testing. Allele origin: germline.

Labcorp Genetics (formerly Invitae), Labcorp
Classification: Pathogenic for Hereditary spastic paraplegia 11. Last evaluated: 2022-07-19. Review status: criteria provided, single submitter. Criteria: Invitae Variant Classification Sherloc (09022015). Collection method: clinical testing. Allele origin: germline.
Comment: This sequence change creates a premature translational stop signal (p.Gln1531*) in the SPG11 gene. It is expected to result in an absent or disrupted protein product. Loss-of-function variants in SPG11 are known to be pathogenic (PMID: 19105190, 20110243, 22154821, 26556829). This variant is not present in population databases (gnomAD no frequency). This variant has not been reported in the literature in individuals affected with SPG11-related conditions. ClinVar contains an entry for this variant (Variation ID: 466532). For these reasons, this variant has been classified as Pathogenic.

Literature cited by the submitters: PubMed 19105190 (cited by Labcorp Genetics (formerly Invitae), Labcorp); PubMed 20110243 (cited by Labcorp Genetics (formerly Invitae), Labcorp); PubMed 22154821 (cited by Labcorp Genetics (formerly Invitae), Labcorp); PubMed 26556829 (cited by Labcorp Genetics (formerly Invitae), Labcorp).